The following is an entry in ClinVar:

ClinVar aggregate classification (germline): Uncertain significance (1 of 4 stars; one submission).

Conditions:
Gastrointestinal stromal tumor. Also called: Gastrointestinal stromal tumor, somatic; Gastrointestinal stroma tumor. Identifiers: Orphanet 44890, MedGen C0238198, MeSH D046152, MONDO:0011719, OMIM 606764, HP:0100723.

Submission:

Labcorp Genetics (formerly Invitae), Labcorp
Classification: Uncertain significance for Gastrointestinal stromal tumor. Last evaluated: 2025-06-11. Review status: criteria provided, single submitter. Criteria: Invitae Variant Classification Sherloc (09022015). Collection method: clinical testing. Allele origin: germline.
Comment: This sequence change replaces aspartic acid, which is acidic and polar, with glycine, which is neutral and non-polar, at codon 327 of the KIT protein (p.Asp327Gly). This variant is not present in population databases (gnomAD no frequency). This variant has not been reported in the literature in individuals affected with KIT-related conditions. An algorithm developed to predict the effect of missense changes on protein structure and function (PolyPhen-2) suggests that this variant is likely to be tolerated. In summary, the available evidence is currently insufficient to determine the role of this variant in disease. Therefore, it has been classified as a Variant of Uncertain Significance.

NM_000222.3(KIT):c.980A>G (p.Asp327Gly)

Gene: KIT (KIT proto-oncogene, receptor tyrosine kinase; plus strand). Cytogenetic location: 4q12.
Variant type: single nucleotide variant.
Coding change: c.980A>G on transcript NM_000222.3 (MANE Select); coding-DNA position 980, A replaced by G.
Protein change: p.Asp327Gly; replaces aspartic acid 327 with glycine.
Molecular consequence: missense variant.
Genome position (GRCh38, 1-based): chr4:54,707,152, A>G. VCF-style: chr4-54707152-A-G. GRCh37 (hg19) VCF-style: chr4-55573318-A-G.
Other names: c.980A>G, p.Asp327Gly (NM_001093772.2, NM_001385285.1, NM_001385286.1); c.983A>G, p.Asp328Gly (NM_001385284.1, NM_001385288.1, NM_001385290.1 and 1 more transcripts); short protein forms D327G, D328G.
Identifiers: ClinVar variation 4721194 (VCV004721194.1).
Genomic context (GRCh38, chr4:54,707,152, plus strand): 5'-AATTAGATAAAGGATTCATTAATATCTTCCCCATGATAAACACTACAGTATTTGTAAACG[A>G]TGGAGAAAATGTAGATTTGATTGTTGAATATGAAGCATTCCCCAAACCTGAACACCAGCA-3'
Protein context (NP_000213.1, residues 317-337): PMINTTVFVN[Asp327Gly]GENVDLIVEY